The following is an entry in ClinVar:

ClinVar aggregate classification (germline): Uncertain significance (1 of 4 stars; one submission).

Conditions:
Inborn genetic diseases. Identifiers: MedGen C0950123, MeSH D030342.

gnomAD v4.1: 1 of 1,613,986 alleles (0.000062%); highest among the groups gnomAD compares: Non-Finnish European, 0.000085%; no homozygotes.

Submission:

Ambry Genetics
Classification: Uncertain significance for Inborn genetic diseases. Last evaluated: 2025-02-16. Review status: criteria provided, single submitter. Criteria: Ambry Variant Classification Scheme 2023. Collection method: clinical testing. Allele origin: germline.
Comment: The p.G59E variant (also known as c.176G>A), located in coding exon 1 of the SAMD9L gene, results from a G to A substitution at nucleotide position 176. The glycine at codon 59 is replaced by glutamic acid, an amino acid with similar properties. This amino acid position is conserved. In addition, the in silico prediction for this alteration is inconclusive. Based on the available evidence, the clinical significance of this variant remains unclear.

NM_152703.5(SAMD9L):c.176G>A (p.Gly59Glu)

Gene: SAMD9L (sterile alpha motif domain containing 9 like; minus strand). Cytogenetic location: 7q21.2.
Variant type: single nucleotide variant.
Coding change: c.176G>A on transcript NM_152703.5 (MANE Select); coding-DNA position 176, G replaced by A.
Protein change: p.Gly59Glu; replaces glycine 59 with glutamic acid.
Molecular consequence: missense variant.
Genome position (GRCh38, 1-based): chr7:93,135,796, C>T on the plus strand (G>A on the coding strand, the complement: SAMD9L is on the minus strand). VCF-style: chr7-93135796-C-T. GRCh37 (hg19) VCF-style: chr7-92765109-C-T.
Other names: c.176G>A, p.Gly59Glu (NM_001303496.3, NM_001303497.3, NM_001303498.3 and 5 more transcripts); short protein forms G59E.
Identifiers: ClinVar variation 3792430 (VCV003792430.1).